The following is an entry in ClinVar:

NM_004415.4(DSP):c.5212_5213delinsTA (p.Arg1738Ter)

Gene: DSP (desmoplakin; plus strand). Cytogenetic location: 6p24.3.
Variant type: Indel.
Coding change: c.5212_5213delinsTA on transcript NM_004415.4 (MANE Select); coding-DNA positions 5212 to 5213, CG replaced by TA.
Protein change: p.Arg1738Ter; replaces arginine 1738 with a stop codon.
Molecular consequence: nonsense. On other transcripts: intron variant (2).
Genome position (GRCh38, 1-based): chr6:7,581,402-7,581,403, CG replaced by TA. VCF-style: chr6-7581402-CG-TA. GRCh37 (hg19) VCF-style: chr6-7581635-CG-TA.
Other names: c.4050+1162_4050+1163delinsTA (NM_001319034.2); c.3583-1240_3583-1239delinsTA (NM_001008844.3); short protein forms R1738*.
Identifiers: ClinVar variation 3505521 (VCV003505521.1).

ClinVar aggregate classification (germline): Pathogenic (1 of 4 stars; one submission).

Conditions:
Cardiovascular phenotype. Identifiers: MedGen CN230736.

Submission:

Ambry Genetics
Classification: Pathogenic for Cardiovascular phenotype. Last evaluated: 2024-10-31. Review status: criteria provided, single submitter. Criteria: Ambry Variant Classification Scheme 2023. Collection method: clinical testing. Allele origin: germline.
Comment: The c.5212_5213delCGinsTA pathogenic mutation (also known as p.R1738*), located in coding exon 23 of the DSP gene, results from an in-frame deletion of CG and insertion of TA at nucleotide positions 5212 to 5213. This changes the amino acid from an arginine to a stop codon within coding exon 23. This variant, reported as p.R1738*, has been reported in association with arrhythmogenic right ventricular cardiomyopathy (ARVC) and dilated cardiomyopathy (DCM) (Groeneweg JA et al. Circ Cardiovasc Genet, 2015 Jun;8:437-46; Tsuruta Y et al. ESC Heart Fail, 2020 Oct;7:3174-3178; Reza N et al. Cardiogenetics, 2022 Mar;12:24-36; Voinescu OR et al. Int J Mol Sci, 2024 Feb;25:). This variant is considered to be rare based on population cohorts in the Genome Aggregation Database (gnomAD). In addition to the clinical data presented in the literature, this alteration is expected to result in loss of function by premature protein truncation or nonsense-mediated mRNA decay. As such, this alteration is interpreted as a disease-causing mutation.

Literature cited by the submitters: PubMed 25820315; PubMed 32592540; PubMed 35083019; PubMed 38473809.